The following is an entry in ClinVar:

NM_006269.2(RP1):c.3601C>A (p.Gln1201Lys)

Gene: RP1 (RP1 axonemal microtubule associated; plus strand). Cytogenetic location: 8q12.1.
Variant type: single nucleotide variant.
Coding change: c.3601C>A on transcript NM_006269.2 (MANE Select); coding-DNA position 3601, C replaced by A.
Protein change: p.Gln1201Lys; replaces glutamine 1201 with lysine.
Molecular consequence: missense variant. On other transcripts: intron variant (1).
Genome position (GRCh38, 1-based): chr8:54,627,483, C>A. VCF-style: chr8-54627483-C-A. GRCh37 (hg19) VCF-style: chr8-55540043-C-A.
Other names: c.787+5195C>A (NM_001375654.1); short protein forms Q1201K.
Identifiers: ClinVar variation 1443225 (VCV001443225.6), dbSNP rs2129317202, ClinGen allele CA370996789.

ClinVar aggregate classification (germline): Uncertain significance (1 of 4 stars; one submission).

gnomAD v4.1: 1 of 1,614,156 alleles (0.000062%); highest among the groups gnomAD compares: Non-Finnish European, 0.000085%; no homozygotes.

Submission:

Labcorp Genetics (formerly Invitae), Labcorp
Classification: Uncertain significance. Last evaluated: 2024-02-20. Review status: criteria provided, single submitter. Criteria: Invitae Variant Classification Sherloc (09022015). Collection method: clinical testing. Allele origin: germline.
Comment: This sequence change replaces glutamine, which is neutral and polar, with lysine, which is basic and polar, at codon 1201 of the RP1 protein (p.Gln1201Lys). This variant is not present in population databases (gnomAD no frequency). This missense change has been observed in individual(s) with retinitis pigmentosa (Invitae). ClinVar contains an entry for this variant (Variation ID: 1443225). Algorithms developed to predict the effect of missense changes on protein structure and function output the following: SIFT: "Not Available"; PolyPhen-2: "Benign"; Align-GVGD: "Not Available". The lysine amino acid residue is found in multiple mammalian species, which suggests that this missense change does not adversely affect protein function. In summary, the available evidence is currently insufficient to determine the role of this variant in disease. Therefore, it has been classified as a Variant of Uncertain Significance.